The following is an entry in ClinVar:

NM_018723.4(RBFOX1):c.1064G>C (p.Gly355Ala)

Genes: RBFOX1 (RNA binding fox-1 homolog 1; plus strand), LOC126862279 (MED14-independent group 3 enhancer GRCh37_chr16:7758954-7760153; plus strand). Cytogenetic location: 16p13.3.
Variant type: single nucleotide variant.
Coding change: c.1064G>C on transcript NM_018723.4 (MANE Select); coding-DNA position 1064, G replaced by C.
Protein change: p.Gly355Ala; replaces glycine 355 with alanine.
Molecular consequence: missense variant.
Genome position (GRCh38, 1-based): chr16:7,709,124, G>C. VCF-style: chr16-7709124-G-C. GRCh37 (hg19) VCF-style: chr16-7759126-G-C.
Other names: c.1225G>C, p.Val409Leu (NM_001415889.1, NM_001415898.1); c.1192G>C, p.Val398Leu (NM_001415890.1, NM_001415901.1); c.1193G>C, p.Gly398Ala (NM_001415891.1, NM_001308117.1); c.1172G>C, p.Gly391Ala (NM_001415892.1, NM_001415894.1); c.983G>C, p.Gly328Ala (NM_001142333.2); c.1064G>C, p.Gly355Ala (NM_001142334.2); c.1117G>C, p.Val373Leu (NM_001364800.2); c.1246G>C, p.Val416Leu (NM_001411047.1, NM_001415895.1); and 23 more; short protein forms G324A, G380A, V416L, V572L, G328A, G349A, G364A, V348L.
Identifiers: ClinVar variation 3644090 (VCV003644090.2).
Genomic context (GRCh38, chr16:7,709,124, plus strand): 5'-GAGTTTATGCTGCCGACCCCTACCACCACGCACTTGCTCCAGCCCCCACCTACGGCGTTG[G>C]TGCCATGGTGAGTACAAGTTTCTCCTTGTCCTCACTTCCTCCTGCCTCCCTTCCCTTTCC-3'
Protein context (NP_061193.2, residues 345-365): ALAPAPTYGV[Gly355Ala]AMNAFAPLTD

ClinVar aggregate classification (germline): Uncertain significance (1 of 4 stars; one submission).

Conditions:
Idiopathic generalized epilepsy. Also called: Generalised epilepsy; EIG. Identifiers: MedGen C0270850, MONDO:0005579, OMIM 600669.

gnomAD v4.1: 1 of 1,612,504 alleles (0.000062%); highest among the groups gnomAD compares: South Asian, 0.0011%; no homozygotes.

Submission:

Labcorp Genetics (formerly Invitae), Labcorp
Classification: Uncertain significance for Idiopathic generalized epilepsy. Last evaluated: 2024-04-11. Review status: criteria provided, single submitter. Criteria: Invitae Variant Classification Sherloc (09022015). Collection method: clinical testing. Allele origin: germline.
Comment: This sequence change replaces glycine, which is neutral and non-polar, with alanine, which is neutral and non-polar, at codon 376 of the RBFOX1 protein (p.Gly376Ala). This variant is present in population databases (no rsID available, gnomAD 0.003%). This variant has not been reported in the literature in individuals affected with RBFOX1-related conditions. An algorithm developed to predict the effect of missense changes on protein structure and function (PolyPhen-2) suggests that this variant is likely to be tolerated. In summary, the available evidence is currently insufficient to determine the role of this variant in disease. Therefore, it has been classified as a Variant of Uncertain Significance.